The following is an entry in ClinVar:

NM_020806.5(GPHN):c.201+3A>G

Gene: GPHN (gephyrin; plus strand). Cytogenetic location: 14q23.3.
Variant type: single nucleotide variant.
Coding change: c.201+3A>G on transcript NM_020806.5 (MANE Select); 3 bases into the intron after coding-DNA position 201, A replaced by G.
Molecular consequence: intron variant.
Genome position (GRCh38, 1-based): chr14:66,776,524, A>G. VCF-style: chr14-66776524-A-G. GRCh37 (hg19) VCF-style: chr14-67243242-A-G.
Other names: c.201+3A>G (NM_001377514.1, NM_001377519.1, NM_001377515.1 and 4 more transcripts).
Identifiers: ClinVar variation 961083 (VCV000961083.7), dbSNP rs2059387117, ClinGen allele CA1139663510.
Genomic context (GRCh38, chr14:66,776,524, plus strand): 5'-GTTGGGTGGGACTATATCAGCATACAAGATAGTACCAGATGAAATAGAAGAAATCAAGGT[A>G]TAGTATGGCATTTTTCACCTCTACAAACATTTAGCATCTTGGTGAGGGGTGGGGAAGAGT-3'

ClinVar aggregate classification (germline): Uncertain significance (1 of 4 stars; one submission).

Conditions:
Sulfite oxidase deficiency due to molybdenum cofactor deficiency type C. Also called: Molybdenum cofactor deficiency, complementation group C; Molybdenum cofactor deficiency C. Identifiers: Orphanet 308400, Orphanet 833, MedGen C1854990, MONDO:0014212, OMIM 615501.

Submission:

Labcorp Genetics (formerly Invitae), Labcorp
Classification: Uncertain significance for Sulfite oxidase deficiency due to molybdenum cofactor deficiency type C. Last evaluated: 2022-08-23. Review status: criteria provided, single submitter. Criteria: Invitae Variant Classification Sherloc (09022015). Collection method: clinical testing. Allele origin: germline.
Comment: Variants that disrupt the consensus splice site are a relatively common cause of aberrant splicing (PMID: 17576681, 9536098). Algorithms developed to predict the effect of sequence changes on RNA splicing suggest that this variant may disrupt the consensus splice site. In summary, the available evidence is currently insufficient to determine the role of this variant in disease. Therefore, it has been classified as a Variant of Uncertain Significance. ClinVar contains an entry for this variant (Variation ID: 961083). This variant has not been reported in the literature in individuals affected with GPHN-related conditions. This variant is not present in population databases (gnomAD no frequency). This sequence change falls in intron 3 of the GPHN gene. It does not directly change the encoded amino acid sequence of the GPHN protein. It affects a nucleotide within the consensus splice site.

Literature cited by the submitters: PubMed 17576681; PubMed 9536098.